The following is an entry in ClinVar:

ClinVar aggregate classification (germline): Benign/Likely benign. Review status: criteria provided, multiple submitters, no conflicts (2 of 4 stars). 6 submissions from 6 submitters: Benign (2); Likely benign (3). 1 of the submissions does not count toward it. Last evaluated 2025-12-20.

Conditions:
Pseudohypoaldosteronism type 2C (PHA2C). Also called: Pseudohypoaldosteronism Type IIC. Identifiers: Orphanet 757, Orphanet 88940, MedGen C1840391, MONDO:0013778, OMIM 614492.
Neuropathy, hereditary sensory and autonomic, type 2A (HSAN2A). Also called: MORVAN DISEASE; NEUROPATHY, CONGENITAL SENSORY; NEUROPATHY, HEREDITARY SENSORY RADICULAR, AUTOSOMAL RECESSIVE; NEUROPATHY, HEREDITARY SENSORY, TYPE IIA; NEUROPATHY, PROGRESSIVE SENSORY, OF CHILDREN; ACROOSTEOLYSIS, GIACCAI TYPE. Identifiers: Orphanet 970, MedGen C2752089, MONDO:0024309, OMIM 201300.
WNK1-related disorder. Also called: WNK1-related condition.

Allele frequency attached by ClinVar (database versions not stated): gnomAD exomes 0.00028 and 0.00052; gnomAD 0.00033; ESP Exome Variant Server 0.00038; TOPMed 0.00039; ExAC 0.00045.
gnomAD v4.1: 498 of 1,613,898 alleles (0.031%); highest among the groups gnomAD compares: African/African-American, 0.016%; 2 homozygotes.

Submissions (6):

Labcorp Genetics (formerly Invitae), Labcorp
Classification: Likely benign for Neuropathy, hereditary sensory and autonomic, type 2A; Pseudohypoaldosteronism type 2C. Last evaluated: 2025-12-20. Review status: criteria provided, single submitter. Criteria: Invitae Variant Classification Sherloc (09022015). Collection method: clinical testing. Allele origin: germline.

Mayo Clinic Laboratories, Mayo Clinic
Classification: Benign. Last evaluated: 2025-06-24. Review status: criteria provided, single submitter. Criteria: ACMG Guidelines, 2015. Collection method: clinical testing. Allele origin: germline. Observed: 1 variant allele.
Comment: BA1, BP4, BP7

CeGaT Center for Human Genetics Tuebingen
Classification: Likely benign. Last evaluated: 2024-04-01. Review status: criteria provided, single submitter. Criteria: CeGaT Center For Human Genetics Tuebingen Variant Classification Criteria Version 2. Collection method: clinical testing. Allele origin: germline. Affected: yes. Observed: 1 variant allele.
Comment: WNK1: BP4, BP7

Fulgent Genetics
Classification: Likely benign for Neuropathy, hereditary sensory and autonomic, type 2A; Pseudohypoaldosteronism type 2C. Last evaluated: 2021-07-27. Review status: criteria provided, single submitter. Criteria: ACMG Guidelines, 2015. Collection method: clinical testing. Allele origin: unknown.

Illumina Laboratory Services, Illumina
Classification: Benign for Pseudohypoaldosteronism type 2C. Last evaluated: 2018-01-13. Review status: criteria provided, single submitter. Criteria: ICSL Variant Classification Criteria 13 December 2019. Collection method: clinical testing. Allele origin: germline.
Comment: This variant was observed in the ICSL laboratory as part of a predisposition screen in an ostensibly healthy population. It had not been previously curated by ICSL or reported in the Human Gene Mutation Database (HGMD: prior to June 1st, 2018), and was therefore a candidate for classification through an automated scoring system. Utilizing variant allele frequency, disease prevalence and penetrance estimates, and inheritance mode, an automated score was calculated to assess if this variant is too frequent to cause the disease. Based on the score and internal cut-off values, a variant classified as benign is not then subjected to further curation. The score for this variant resulted in a classification of benign for this disease.

PreventionGenetics, part of Exact Sciences
Classification: Benign for WNK1-related condition. Last evaluated: 2019-08-11. Review status: no assertion criteria provided. Collection method: clinical testing. Allele origin: germline. Not counted in ClinVar's aggregate classification.
Comment: This variant is classified as benign based on ACMG/AMP sequence variant interpretation guidelines (Richards et al. 2015 PMID: 25741868, with internal and published modifications).

NM_018979.4(WNK1):c.3699G>A (p.Ala1233=)

Gene: WNK1 (WNK lysine deficient protein kinase 1; plus strand). Cytogenetic location: 12p13.33.
Variant type: single nucleotide variant.
Coding change: c.3699G>A on transcript NM_018979.4 (MANE Select); coding-DNA position 3699, G replaced by A.
Protein change: p.Ala1233=; no amino-acid change (alanine 1233 retained).
Molecular consequence: synonymous variant.
Genome position (GRCh38, 1-based): chr12:883,809, G>A. VCF-style: chr12-883809-G-A. GRCh37 (hg19) VCF-style: chr12-992975-G-A.
Other names: p.Ala1485=; c.4479G>A, p.Ala1493= (NM_001184985.2); c.2958G>A, p.Ala986= (NM_014823.3); c.4455G>A, p.Ala1485= (NM_213655.5).
Identifiers: ClinVar variation 310823 (VCV000310823.37), dbSNP rs147752204, ClinGen allele CA6382828.